The following is an entry in ClinVar:

ClinVar aggregate classification (germline): Benign. Review status: criteria provided, multiple submitters, no conflicts (2 of 4 stars). 7 submissions from 4 submitters: Benign (7). Last evaluated 2021-07-01.

Conditions:
Autosomal recessive nonsyndromic hearing loss 1A (DFNB1A). Also called: GJB6-Related DFNB 1 Nonsyndromic Hearing Loss and Deafness; Deafness, autosomal recessive 1A; Nonsyndromic Hearing Loss and Deafness, DFNB1; GJB2-Related Autosomal Recessive Nonsyndromic Hearing Loss; Connexin 26 deafness; Deafness nonsyndromic, Connexin 26 linked. Identifiers: Orphanet 90636, MedGen C2673759, MONDO:0009076, OMIM 220290.
Ichthyosis, hystrix-like, with hearing loss. Also called: Hystrix-like ichthyosis with deafness. Identifiers: Orphanet 477, MedGen C1865234, MONDO:0011245.
Autosomal dominant nonsyndromic hearing loss 3A. Identifiers: Orphanet 90635, MedGen C2675750, MONDO:0011103, OMIM 601544.

Allele frequency attached by ClinVar (database versions not stated): 1000 Genomes Project 30x 0.02826; gnomAD 0.04008 and 0.04011; 1000 Genomes Project 0.02895; TOPMed 0.03895; gnomAD exomes 0.04830.

Submissions (7):

Pars Genome Lab
Classification: Benign for Autosomal recessive nonsyndromic hearing loss 1A. Last evaluated: 2021-07-01. Review status: criteria provided, single submitter. Criteria: ACMG Guidelines, 2015. Collection method: clinical testing. Allele origin: germline. Affected: no.

Pars Genome Lab
Classification: Benign for Autosomal dominant nonsyndromic hearing loss 3A. Last evaluated: 2021-07-01. Review status: criteria provided, single submitter. Criteria: ACMG Guidelines, 2015. Collection method: clinical testing. Allele origin: germline. Affected: no.

GeneDx
Classification: Benign. Last evaluated: 2018-10-22. Review status: criteria provided, single submitter. Criteria: GeneDx Variant Classification Process June 2021. Collection method: clinical testing. Allele origin: germline. Affected: yes.

Illumina Laboratory Services, Illumina
Classification: Benign for Autosomal dominant nonsyndromic hearing loss 3A. Last evaluated: 2017-04-27. Review status: criteria provided, single submitter. Criteria: ICSL Variant Classification Criteria 13 December 2019. Collection method: clinical testing. Allele origin: germline.
Comment: This variant was observed as part of a predisposition screen in an ostensibly healthy population. A literature search was performed for the gene, cDNA change, and amino acid change (where applicable). No publications were found based on this search. Allele frequency data from public databases was too high to be consistent with this variant causing disease. Therefore, this variant is classified as benign.

Illumina Laboratory Services, Illumina
Classification: Benign for Autosomal recessive nonsyndromic hearing loss 1A. Last evaluated: 2017-04-27. Review status: criteria provided, single submitter. Criteria: ICSL Variant Classification Criteria 13 December 2019. Collection method: clinical testing. Allele origin: germline.
Comment: the same text as in the submission from Illumina Laboratory Services, Illumina above.

Illumina Laboratory Services, Illumina
Classification: Benign for Autosomal dominant keratitis-ichthyosis-hearing loss syndrome. Last evaluated: 2017-04-27. Review status: criteria provided, single submitter. Criteria: ICSL Variant Classification Criteria 13 December 2019. Collection method: clinical testing. Allele origin: germline.
Comment: the same text as in the submission from Illumina Laboratory Services, Illumina above.

Breakthrough Genomics
Classification: Benign. Review status: criteria provided, single submitter. Criteria: ACMG Guidelines, 2015. Collection method: not provided. Allele origin: germline. Inheritance: Autosomal recessive inheritance. Affected: yes.

NM_004004.6(GJB2):c.*168A>G

Gene: GJB2 (gap junction protein beta 2; minus strand). Cytogenetic location: 13q12.11.
Variant type: single nucleotide variant.
Coding change: c.*168A>G on transcript NM_004004.6 (MANE Select); 168 bases downstream of the stop codon, A replaced by G.
Molecular consequence: 3 prime UTR variant.
Genome position (GRCh38, 1-based): chr13:20,188,733, T>C on the plus strand (A>G on the coding strand, the complement: GJB2 is on the minus strand). VCF-style: chr13-20188733-T-C. GRCh37 (hg19) VCF-style: chr13-20762872-T-C.
Identifiers: ClinVar variation 311369 (VCV000311369.10), dbSNP rs55704559, ClinGen allele CA10643942.
Genomic context (GRCh38, chr13:20,188,733, plus strand): 5'-AATTAAGACAGGCATAGAATTAGGCCTTTGTTTTGAGGCTTTAGGGGAGCAGAGCTCCAT[T>C]GTGGCATCTGGAGTTTCACCTGAGGCCTACAGGGGTTTCAAATGGTTGCATTTAAGGTCA-3'